The following is an entry in ClinVar:

NM_133259.4(LRPPRC):c.3989C>G (p.Ser1330Ter)

Gene: LRPPRC (leucine rich pentatricopeptide repeat containing; minus strand). Cytogenetic location: 2p21.
Variant type: single nucleotide variant.
Coding change: c.3989C>G on transcript NM_133259.4 (MANE Select); coding-DNA position 3989, C replaced by G.
Protein change: p.Ser1330Ter; replaces serine 1330 with a stop codon.
Molecular consequence: nonsense.
Genome position (GRCh38, 1-based): chr2:43,889,873, G>C on the plus strand (C>G on the coding strand, the complement: LRPPRC is on the minus strand). VCF-style: chr2-43889873-G-C. GRCh37 (hg19) VCF-style: chr2-44117012-G-C.
Other names: short protein forms S1330*.
Identifiers: ClinVar variation 1925538 (VCV001925538.7), dbSNP rs200326527, ClinGen allele CA346673416.

ClinVar aggregate classification (germline): Pathogenic/Likely pathogenic. Review status: criteria provided, multiple submitters, no conflicts (2 of 4 stars). 2 submissions from 2 submitters: Pathogenic (1); Likely pathogenic (1). Last evaluated 2025-03-21.

Conditions:
Congenital lactic acidosis, Saguenay-Lac-Saint-Jean type (MC4DN5). Also called: CYTOCHROME c OXIDASE DEFICIENCY, FRENCH CANADIAN TYPE; COX DEFICIENCY, FRENCH CANADIAN TYPE; MITOCHONDRIAL COMPLEX IV DEFICIENCY, NUCLEAR TYPE 5. Identifiers: Orphanet 70472, MedGen C1857355, MONDO:0009069, OMIM 220111.

Allele frequency attached by ClinVar (database versions not stated): gnomAD exomes below 0.00001.
gnomAD v4.1: 1 of 1,604,574 alleles (0.000062%); highest among the groups gnomAD compares: Non-Finnish European, 0.000085%; no homozygotes.

Submissions (2):

Dasa
Classification: Likely pathogenic for Congenital lactic acidosis, Saguenay-Lac-Saint-Jean type. Last evaluated: 2025-03-21. Review status: criteria provided, single submitter. Criteria: DASA Assertion Criteria. Collection method: clinical testing. Allele origin: germline.
Comment: NM_133259.4(LRPPRC):c.3989C>G (p.Ser1330*) is a nonsense variant in LRPPRC predicted to introduce a premature termination codon and is predicted to result in an absent or altered protein product. Loss of function is an established disease mechanism for LRPPRC-associated disorders. Also, this variant is rare in population databases. Based on the currently available evidence, this variant is classified as likely pathogenic.

Labcorp Genetics (formerly Invitae), Labcorp
Classification: Pathogenic. Last evaluated: 2022-06-17. Review status: criteria provided, single submitter. Criteria: Invitae Variant Classification Sherloc (09022015). Collection method: clinical testing. Allele origin: germline.
Comment: For these reasons, this variant has been classified as Pathogenic. This variant has not been reported in the literature in individuals affected with LRPPRC-related conditions. This variant is not present in population databases (gnomAD no frequency). This sequence change creates a premature translational stop signal (p.Ser1330*) in the LRPPRC gene. It is expected to result in an absent or disrupted protein product. Loss-of-function variants in LRPPRC are known to be pathogenic (PMID: 26510951).

Literature cited by the submitters: PubMed 26510951 (cited by Labcorp Genetics (formerly Invitae), Labcorp).